The following is an entry in ClinVar:

NM_000057.4(BLM):c.488C>T (p.Ser163Phe)

Gene: BLM (BLM RecQ like helicase; plus strand). Cytogenetic location: 15q26.1.
Variant type: single nucleotide variant.
Coding change: c.488C>T on transcript NM_000057.4 (MANE Select); coding-DNA position 488, C replaced by T.
Protein change: p.Ser163Phe; replaces serine 163 with phenylalanine.
Molecular consequence: missense variant. On other transcripts: 5 prime UTR variant (1).
Genome position (GRCh38, 1-based): chr15:90,749,756, C>T. VCF-style: chr15-90749756-C-T. GRCh37 (hg19) VCF-style: chr15-91292986-C-T.
Other names: c.488C>T, p.Ser163Phe (NM_001287246.2, NM_001287247.2); c.-804C>T (NM_001287248.2); short protein forms S163F.
Identifiers: ClinVar variation 405327 (VCV000405327.16), dbSNP rs745819553, ClinGen allele CA7738301.

ClinVar aggregate classification (germline): Uncertain significance. Review status: criteria provided, multiple submitters, no conflicts (2 of 4 stars). 5 submissions from 5 submitters: Uncertain significance (5). Last evaluated 2025-09-27.

Conditions:
Hereditary cancer. Identifiers: MedGen C1333600.
Hereditary cancer-predisposing syndrome. Also called: Hereditary Cancer Syndrome; Hereditary neoplastic syndrome; Neoplastic Syndromes, Hereditary; Tumor predisposition. Identifiers: Orphanet 140162, MedGen C0027672, MeSH D009386, MONDO:0015356.
Bloom syndrome (BLM). Also called: Bloom-Torre-Machacek syndrome. Identifiers: Orphanet 125, MedGen C0005859, MONDO:0008876, OMIM 210900.

Allele frequency attached by ClinVar (database versions not stated): TOPMed below 0.00001; ExAC 0.00001; gnomAD exomes 0.00001; gnomAD 0.00002.
gnomAD v4.1: 20 of 1,613,412 alleles (0.0012%); highest among the groups gnomAD compares: Non-Finnish European, 0.0016%; no homozygotes.

Submissions (5):

Labcorp Genetics (formerly Invitae), Labcorp
Classification: Uncertain significance for Bloom syndrome. Last evaluated: 2025-09-27. Review status: criteria provided, single submitter. Criteria: Invitae Variant Classification Sherloc (09022015). Collection method: clinical testing. Allele origin: germline.
Comment: This sequence change replaces serine, which is neutral and polar, with phenylalanine, which is neutral and non-polar, at codon 163 of the BLM protein (p.Ser163Phe). This variant is present in population databases (rs745819553, gnomAD 0.003%). This missense change has been observed in individual(s) with male breast cancer (PMID: 30613976). ClinVar contains an entry for this variant (Variation ID: 405327). An algorithm developed to predict the effect of missense changes on protein structure and function (PolyPhen-2) suggests that this variant is likely to be disruptive. In summary, the available evidence is currently insufficient to determine the role of this variant in disease. Therefore, it has been classified as a Variant of Uncertain Significance.

Mendelics
Classification: Uncertain significance for Hereditary cancer. Last evaluated: 2024-08-12. Review status: criteria provided, single submitter. Criteria: ACMG Guidelines, 2015. Collection method: clinical testing. Allele origin: unknown.

Ambry Genetics
Classification: Uncertain significance for Hereditary cancer-predisposing syndrome. Last evaluated: 2024-02-06. Review status: criteria provided, single submitter. Criteria: Ambry Variant Classification Scheme 2023. Collection method: clinical testing. Allele origin: germline.
Comment: The p.S163F variant (also known as c.488C>T), located in coding exon 2 of the BLM gene, results from a C to T substitution at nucleotide position 488. The serine at codon 163 is replaced by phenylalanine, an amino acid with highly dissimilar properties. This variant was detected in a cohort of 523 Italian male breast cancer patients (Rizzolo P et al. Int J Cancer, 2019 07;145:390-400). This amino acid position is highly conserved in available vertebrate species. In addition, this alteration is predicted to be tolerated by in silico analysis. Based on the available evidence, the clinical significance of this alteration remains unclear.

GeneDx
Classification: Uncertain significance. Last evaluated: 2023-01-10. Review status: criteria provided, single submitter. Criteria: GeneDx Variant Classification Process June 2021. Collection method: clinical testing. Allele origin: germline. Affected: yes.
Comment: Not observed at significant frequency in large population cohorts (gnomAD); In silico analysis supports that this missense variant does not alter protein structure/function; This variant is associated with the following publications: (PMID: 25938944, 30613976, 32522261)

Fulgent Genetics
Classification: Uncertain significance for Bloom syndrome. Last evaluated: 2022-05-23. Review status: criteria provided, single submitter. Criteria: ACMG Guidelines, 2015. Collection method: clinical testing. Allele origin: unknown.

Literature cited by the submitters: PubMed 30613976 (cited by Labcorp Genetics (formerly Invitae), Labcorp and Ambry Genetics).